The following is an entry in ClinVar:

ClinVar aggregate classification (germline): Pathogenic/Likely pathogenic. Review status: criteria provided, multiple submitters, no conflicts (2 of 4 stars). 16 submissions from 16 submitters: Pathogenic (11); Likely pathogenic (4). 1 of the submissions does not count toward it. Last evaluated 2026-08-20.

Conditions:
21-Hydroxylase-Deficient Congenital Adrenal Hyperplasia. Also called: ADRENAL HYPERPLASIA III; ADRENAL HYPERPLASIA, CONGENITAL, DUE TO 21-HYDROXYLASE DEFICIENCY. Identifiers: MedGen C2936858, OMIM 201910.
CYP21A2-related disorder. Also called: CYP21A2-related condition.
Inborn genetic diseases. Identifiers: MedGen C0950123, MeSH D030342.
Congenital adrenal hyperplasia. Identifiers: Orphanet 418, MedGen C0001627, MONDO:0018479, HP:0008258.

Allele frequency attached by ClinVar (database versions not stated): gnomAD 0.00040 and 0.00047; gnomAD exomes 0.00048 and 0.00055; ExAC 0.00097.
gnomAD v4.1: 762 of 1,582,692 alleles (0.048%); highest among the groups gnomAD compares: Middle Eastern, 0.96%; 20 homozygotes.

Submissions 1 to 13 of 16:

PreventionGenetics, part of Exact Sciences
Classification: Pathogenic for CYP21A2-related condition. Last evaluated: 2026-08-20. Review status: criteria provided, single submitter. Criteria: ACMG Guidelines, 2015. Collection method: clinical testing. Allele origin: germline.
Comment: The CYP21A2 c.1447C>T variant is predicted to result in the amino acid substitution p.Pro483Ser. This variant has been reported to be pathogenic for congenital adrenal hyperplasia (CAH) due to reduced 21-hydroxylase activity and documented as a non-classic CAH allele (also known as p.Pro482Ser; Barbaro et al. 2004. PubMed ID: 15126570; Barbaro et al. 2015. PubMed ID: 24953648; Finkielstain et al. 2011. PubMed ID: 20926536). This variant is reported in 0.074% of alleles in individuals of European (non-Finnish) descent in gnomAD. This variant falls within a highly paralogous region. Allele frequency data should be interpreted with caution. This variant is interpreted as pathogenic.

CeGaT Center for Human Genetics Tuebingen
Classification: Likely pathogenic. Last evaluated: 2026-05-01. Review status: criteria provided, single submitter. Criteria: CeGaT Center For Human Genetics Tuebingen Variant Classification Criteria Version 2. Collection method: clinical testing. Allele origin: germline. Affected: yes. Observed: 1 variant allele.
Comment: CYP21A2: PM3:Very Strong, PM2:Supporting, PS3:Supporting, BP4

Ambry Genetics
Classification: Pathogenic for Inborn genetic diseases. Last evaluated: 2026-01-20. Review status: criteria provided, single submitter. Criteria: Ambry Variant Classification Scheme 2023. Collection method: clinical testing. Allele origin: germline.
Comment: The c.1447C>T (p.P483S) alteration is located in exon 10 (coding exon 10) of the CYP21A2 gene. This alteration results from a C to T substitution at nucleotide position 1447, causing the proline (P) at amino acid position 483 to be replaced by a serine (S). The Genome Aggregation Database (gnomAD) data for this variant is unreliable due to technical and/or biological issues; therefore, population frequency estimates were not considered. This variant has been identified in the homozygous state and/or in conjunction with other CYP21A2 variant(s) in individual(s) with features consistent with 21-hydroxylase-deficient congenital adrenal hyperplasia (Concolino, 2009; Skordis, 2011; Livadas, 2015; Barbaro, 2004). Note, this variant is also referred to as p.P482S in the literature. This amino acid position is highly conserved in available vertebrate species. Functional studies suggest a mild loss of function; however, additional evidence is needed to confirm these findings (de Paula Michelatto, 2016; Barbaro, 2015; Barbaro, 2004). This alteration is predicted to be tolerated by in silico analysis. Based on the available evidence, this alteration is classified as pathogenic.

Genomic Medicine Center of Excellence, King Faisal Specialist Hospital and Research Centre
Classification: Likely pathogenic for 21-Hydroxylase-Deficient Congenital Adrenal Hyperplasia. Last evaluated: 2025-09-10. Review status: criteria provided, single submitter. Criteria: ACMG Guidelines, 2015. Collection method: clinical testing. Allele origin: germline.

3billion
Classification: Pathogenic for 21-Hydroxylase-Deficient Congenital Adrenal Hyperplasia. Last evaluated: 2025-04-30. Review status: criteria provided, single submitter. Criteria: ACMG Guidelines, 2015. Collection method: clinical testing. Allele origin: germline. Affected: yes.
Comment: The variant is observed at an extremely low frequency in the gnomAD v4.1.0 dataset (total allele frequency: 0.048%). Predicted Consequence/Location: Missense variant In silico tool predictions suggest damaging effect of the variant on gene or gene product [3Cnet: 0.94 (> 0.75, sensitivity 0.96 and precision 0.92)]. The same nucleotide change resulting in the same amino acid change has been previously reported as pathogenic/likely pathogenic with strong evidence (ClinVar ID: VCV000596309 / PMID: 15126570 / 3billion dataset). The variant has been reported to be in trans with a pathogenic variant as either compound heterozygous or homozygous in at least 4 similarly affected unrelated individuals (PMID: 20926536, 25041270, 25538881, 26184415). Therefore, this variant is classified as Pathogenic according to the recommendation of ACMG/AMP guideline.

Women's Health and Genetics/Laboratory Corporation of America, LabCorp
Classification: Likely pathogenic for Congenital adrenal hyperplasia. Last evaluated: 2025-03-20. Review status: criteria provided, single submitter. Criteria: LabCorp Variant Classification Summary - May 2015. Collection method: clinical testing. Allele origin: germline.
Comment: Variant summary: CYP21A2 c.1447C>T (p.Pro483Ser) results in a non-conservative amino acid change in the encoded protein sequence. Four of five in-silico tools predict a damaging effect of the variant on protein function. The variant allele was found at a frequency of 0.00055 in 222442 control chromosomes in the gnomAD database, including 5 homozygotes. This frequency is not significantly higher than estimated for a pathogenic variant in CYP21A2 causing Congenital Adrenal Hyperplasia (0.00055 vs 0.002), allowing no conclusion about variant significance. c.1447C>T has been reported in the literature in individuals affected with Congenital Adrenal Hyperplasia (Barbaro_2004, Ceyhan-Birsoy_2019). These data indicate that the variant is likely to be associated with disease. At least one publication reports experimental evidence evaluating an impact on protein function (Barbaro_2004). The most pronounced variant effect results in 70% of normal activity. The following publications have been ascertained in the context of this evaluation (PMID: 10931088, 15126570, 30609409, 16500637, 16483186, 16636976, 16487445). ClinVar contains an entry for this variant (Variation ID: 596309). Based on the evidence outlined above, the variant was classified as likely pathogenic.

Blueprint Genetics
Classification: Pathogenic for CYP21A2-related disorders. Last evaluated: 2024-11-22. Review status: criteria provided, single submitter. Criteria: ACMG Guidelines, 2015. Collection method: clinical testing. Allele origin: germline. Affected: yes. Observed: 5 variant alleles.

Revvity Omics, Revvity
Classification: Pathogenic. Last evaluated: 2023-08-09. Review status: criteria provided, single submitter. Criteria: ACMG Guidelines, 2015. Collection method: clinical testing. Allele origin: germline.

Department of Pathology and Laboratory Medicine, Sinai Health System
Classification: Pathogenic for 21-Hydroxylase-Deficient Congenital Adrenal Hyperplasia. Last evaluated: 2023-02-10. Review status: criteria provided, single submitter. Criteria: ACMG Guidelines, 2015. Collection method: research. Allele origin: germline.

Newborn Screening Ontario, Children's Hospital of Eastern Ontario (CHEO)
Classification: Pathogenic for 21-Hydroxylase-Deficient Congenital Adrenal Hyperplasia. Last evaluated: 2022-06-01. Review status: criteria provided, single submitter. Criteria: ACMG Guidelines, 2015. Collection method: clinical testing. Allele origin: germline. Inheritance: Autosomal recessive inheritance.

Athena Diagnostics
Classification: Pathogenic. Last evaluated: 2022-05-23. Review status: criteria provided, single submitter. Criteria: Athena Diagnostics Criteria. Collection method: clinical testing. Allele origin: unknown.
Comment: Frequency data for this variant in the general population cannot be distinguished from that of the CYP21P pseudogene, and are therefore uninformative in assessment of variant pathogenicity. This variant has been reported to associate with non-classic congenital adrenal hyperplasia (CAH). This variant is also referred to as p.Pro482Ser in published literature. In multiple individuals, this variant has been seen in trans with other recessive pathogenic variants in CYP21A2, suggesting this variant is also pathogenic. Assessment of experimental evidence suggests this variant results in abnormal protein function. In vitro studies show the variant reduces enzymatic activity to 54%-91% of normal (PMID: 15126570, 24953648, 27721825, 30968594).

Laboratory of Medical Genetics, National & Kapodistrian University of Athens
Classification: Pathogenic for 21-Hydroxylase-Deficient Congenital Adrenal Hyperplasia. Last evaluated: 2021-10-05. Review status: criteria provided, single submitter. Criteria: ACMG Guidelines, 2015. Collection method: clinical testing. Allele origin: unknown. Affected: yes.
Comment: PP2, PP3, PP5

Eurofins Ntd Llc (ga)
Classification: Pathogenic. Last evaluated: 2018-05-08. Review status: criteria provided, single submitter. Criteria: EGL ClinVar v180209 classification definitions. Collection method: clinical testing. Allele origin: germline. Observed: 1 variant allele, 1 heterozygote.

NM_000500.9(CYP21A2):c.1447C>T (p.Pro483Ser)

Genes: CYP21A2 (cytochrome P450 family 21 subfamily A member 2; plus strand), LOC106780800 (CYP21A2 recombination region; plus strand). Cytogenetic location: 6p21.33.
Variant type: single nucleotide variant.
Coding change: c.1447C>T on transcript NM_000500.9 (MANE Select); coding-DNA position 1447, C replaced by T.
Protein change: p.Pro483Ser; replaces proline 483 with serine.
Molecular consequence: missense variant.
Genome position (GRCh38, 1-based): chr6:32,041,093, C>T. VCF-style: chr6-32041093-C-T. GRCh37 (hg19) VCF-style: chr6-32008870-C-T.
Other names: c.1357C>T, p.Pro453Ser (NM_001128590.4); c.1042C>T, p.Pro348Ser (NM_001368143.2, NM_001368144.2); short protein forms P483S, P348S, P453S.
Identifiers: ClinVar variation 596309 (VCV000596309.31), dbSNP rs776989258, ClinGen allele CA3732730.